The following is an entry in ClinVar:

ClinVar aggregate classification (germline): Uncertain significance (1 of 4 stars; one submission).

Allele frequency attached by ClinVar (database versions not stated): TOPMed below 0.00001; ExAC 0.00001; gnomAD 0.00001.
gnomAD v4.1: 43 of 1,614,078 alleles (0.0027%); highest among the groups gnomAD compares: Non-Finnish European, 0.0035%; no homozygotes.

Submission:

Labcorp Genetics (formerly Invitae), Labcorp
Classification: Uncertain significance. Last evaluated: 2022-01-12. Review status: criteria provided, single submitter. Criteria: Invitae Variant Classification Sherloc (09022015). Collection method: clinical testing. Allele origin: germline.
Comment: This sequence change replaces asparagine, which is neutral and polar, with tyrosine, which is neutral and polar, at codon 169 of the VAC14 protein (p.Asn169Tyr). This variant is present in population databases (rs770921977, gnomAD 0.004%). This variant has not been reported in the literature in individuals affected with VAC14-related conditions. Algorithms developed to predict the effect of missense changes on protein structure and function are either unavailable or do not agree on the potential impact of this missense change (SIFT: "Deleterious"; PolyPhen-2: "Benign"; Align-GVGD: "Class C15"). In summary, the available evidence is currently insufficient to determine the role of this variant in disease. Therefore, it has been classified as a Variant of Uncertain Significance.

NM_018052.5(VAC14):c.505A>T (p.Asn169Tyr)

Gene: VAC14 (VAC14 component of PIKFYVE complex; minus strand). Cytogenetic location: 16q22.1.
Variant type: single nucleotide variant.
Coding change: c.505A>T on transcript NM_018052.5 (MANE Select); coding-DNA position 505, A replaced by T.
Protein change: p.Asn169Tyr; replaces asparagine 169 with tyrosine.
Molecular consequence: missense variant. On other transcripts: 5 prime UTR variant (1).
Genome position (GRCh38, 1-based): chr16:70,784,202, T>A on the plus strand (A>T on the coding strand, the complement: VAC14 is on the minus strand). VCF-style: chr16-70784202-T-A. GRCh37 (hg19) VCF-style: chr16-70818105-T-A.
Other names: c.-198A>T (NM_001351157.2); short protein forms N169Y.
Identifiers: ClinVar variation 1931985 (VCV001931985.2), dbSNP rs770921977, ClinGen allele CA8148045.